The following is an entry in ClinVar:

NM_000153.4(GALC):c.82G>A (p.Ala28Thr)

Gene: GALC (galactosylceramidase; minus strand). Cytogenetic location: 14q31.3.
Variant type: single nucleotide variant.
Coding change: c.82G>A on transcript NM_000153.4 (MANE Select); coding-DNA position 82, G replaced by A.
Protein change: p.Ala28Thr; replaces alanine 28 with threonine.
Molecular consequence: missense variant. On other transcripts: intron variant (1).
Genome position (GRCh38, 1-based): chr14:87,993,083, C>T on the plus strand (G>A on the coding strand, the complement: GALC is on the minus strand). VCF-style: chr14-87993083-C-T. GRCh37 (hg19) VCF-style: chr14-88459427-C-T.
Other names: p.Ala28Thr; c.82G>A, p.Ala28Thr (NM_001201401.2); c.117+300G>A (NM_001201402.2); short protein forms A28T.
Identifiers: ClinVar variation 885545 (VCV000885545.8), dbSNP rs776663863, ClinGen allele CA7297508.

ClinVar aggregate classification (germline): Uncertain significance. Review status: criteria provided, multiple submitters, no conflicts (2 of 4 stars). 4 submissions from 4 submitters: Uncertain significance (3). 1 of the submissions does not count toward it. Last evaluated 2025-04-26.

Conditions:
Galactosylceramide beta-galactosidase deficiency. Also called: Leukodystrophy, Globoid Cell; Krabbe Disease; GALACTOCEREBROSIDASE DEFICIENCY; GALC DEFICIENCY; GLOBOID CELL LEUKOENCEPHALOPATHY. Identifiers: Orphanet 487, MedGen C0023521, MONDO:0009499, OMIM 245200.

Allele frequency attached by ClinVar (database versions not stated): ExAC 0.00004; gnomAD exomes 0.00007; TOPMed 0.00008; gnomAD 0.00011.
gnomAD v4.1: 328 of 1,578,950 alleles (0.021%); highest among the groups gnomAD compares: Non-Finnish European, 0.027%; 1 homozygote.

Submissions (4):

Labcorp Genetics (formerly Invitae), Labcorp
Classification: Uncertain significance for Galactosylceramide beta-galactosidase deficiency. Last evaluated: 2025-04-26. Review status: criteria provided, single submitter. Criteria: Invitae Variant Classification Sherloc (09022015). Collection method: clinical testing. Allele origin: germline.
Comment: This sequence change replaces alanine, which is neutral and non-polar, with threonine, which is neutral and polar, at codon 28 of the GALC protein (p.Ala28Thr). This variant is present in population databases (rs776663863, gnomAD 0.02%). This variant has not been reported in the literature in individuals affected with GALC-related conditions. ClinVar contains an entry for this variant (Variation ID: 885545). Invitae Evidence Modeling of protein sequence and biophysical properties (such as structural, functional, and spatial information, amino acid conservation, physicochemical variation, residue mobility, and thermodynamic stability) indicates that this missense variant is not expected to disrupt GALC protein function with a negative predictive value of 95%. In summary, the available evidence is currently insufficient to determine the role of this variant in disease. Therefore, it has been classified as a Variant of Uncertain Significance.

Mayo Clinic Laboratories, Mayo Clinic
Classification: Uncertain significance. Last evaluated: 2025-04-15. Review status: criteria provided, single submitter. Criteria: ACMG Guidelines, 2015. Collection method: clinical testing. Allele origin: germline. Observed: 2 variant alleles.

Illumina Laboratory Services, Illumina
Classification: Uncertain significance for Galactosylceramide beta-galactosidase deficiency. Last evaluated: 2018-01-12. Review status: criteria provided, single submitter. Criteria: ICSL Variant Classification Criteria 13 December 2019. Collection method: clinical testing. Allele origin: germline.

Natera, Inc.
Classification: Uncertain significance for Galactosylceramide beta-galactosidase deficiency. Last evaluated: 2020-04-18. Review status: no assertion criteria provided. Collection method: clinical testing. Allele origin: germline. Not counted in ClinVar's aggregate classification.